The following is an entry in ClinVar:

ClinVar aggregate classification (germline): Uncertain significance (1 of 4 stars; one submission).

Submission:

Ambry Genetics
Classification: Uncertain significance. Last evaluated: 2024-11-15. Review status: criteria provided, single submitter. Criteria: Ambry Variant Classification Scheme 2023. Collection method: clinical testing. Allele origin: germline.
Comment: The p.R100G variant (also known as c.298A>G), located in coding exon 3 of the BUB3 gene, results from an A to G substitution at nucleotide position 298. The arginine at codon 100 is replaced by glycine, an amino acid with dissimilar properties. This amino acid position is conserved. In addition, this alteration is predicted to be deleterious by in silico analysis. Based on the available evidence, the clinical significance of this variant remains unclear.

NM_004725.4(BUB3):c.298A>G (p.Arg100Gly)

Gene: BUB3 (BUB3 mitotic checkpoint protein; plus strand). Cytogenetic location: 10q26.13.
Variant type: single nucleotide variant.
Coding change: c.298A>G on transcript NM_004725.4 (MANE Select); coding-DNA position 298, A replaced by G.
Protein change: p.Arg100Gly; replaces arginine 100 with glycine.
Molecular consequence: missense variant.
Genome position (GRCh38, 1-based): chr10:123,157,761, A>G. VCF-style: chr10-123157761-A-G. GRCh37 (hg19) VCF-style: chr10-124917277-A-G.
Other names: c.298A>G, p.Arg100Gly (NM_001007793.3); short protein forms R100G.
Identifiers: ClinVar variation 3483301 (VCV003483301.1).
Genomic context (GRCh38, chr10:123,157,761, plus strand): 5'-GTTTTTTCCCCTTTTTTTTTCTCTATAGAAAATCTTGTTGGGACCCATGATGCCCCTATC[A>G]GATGTGTTGAATACTGTCCAGAAGTGAATGTGATGGTCACTGGAAGTTGGGATCAGACAG-3'
Protein context (NP_004716.1, residues 90-110): NLVGTHDAPI[Arg100Gly]CVEYCPEVNV